The following is an entry in ClinVar:

NM_001378615.1(CC2D2A):c.3631C>G (p.Leu1211Val)

Genes: CC2D2A (coiled-coil and C2 domain containing 2A; plus strand), FBXL5 (F-box and leucine rich repeat protein 5; minus strand). Cytogenetic location: 4p15.32.
Variant type: single nucleotide variant.
Coding change: c.3631C>G on transcript NM_001378615.1 (MANE Select); coding-DNA position 3631, C replaced by G.
Protein change: p.Leu1211Val; replaces leucine 1211 with valine.
Molecular consequence: missense variant.
Genome position (GRCh38, 1-based): chr4:15,574,186, C>G. VCF-style: chr4-15574186-C-G. GRCh37 (hg19) VCF-style: chr4-15575809-C-G.
Other names: c.3631C>G, p.Leu1211Val (NM_001080522.2); c.3484C>G, p.Leu1162Val (NM_001378617.1); short protein forms L1162V, L1211V.
Identifiers: ClinVar variation 1475939 (VCV001475939.8), dbSNP rs753905430, ClinGen allele CA2864217.

ClinVar aggregate classification (germline): Uncertain significance. Review status: criteria provided, multiple submitters, no conflicts (2 of 4 stars). 3 submissions from 3 submitters: Uncertain significance (3). Last evaluated 2025-04-13.

Conditions:
COACH syndrome 2. Identifiers: MedGen C5436837, MONDO:0030859, OMIM 619111.
Meckel syndrome, type 6. Identifiers: Orphanet 564, MedGen C2676790, MONDO:0012848, OMIM 612284.
Retinitis pigmentosa 93. Identifiers: MedGen C5676970, MONDO:0030797, OMIM 619845.
Joubert syndrome 9 (JBTS9). Identifiers: Orphanet 2318, MedGen C2676788, MONDO:0012849, OMIM 612285.
Inborn genetic diseases. Identifiers: MedGen C0950123, MeSH D030342.
Joubert syndrome. Also called: JOUBERT-BOLTSHAUSER SYNDROME; Familial aplasia of the vermis. Identifiers: Orphanet 475, MedGen C5979921, MONDO:0018772.
Meckel-Gruber syndrome. Also called: DYSENCEPHALIA SPLANCHNOCYSTICA; GRUBER SYNDROME; Dysencephalia splachnocystica. Identifiers: Orphanet 564, MedGen C0265215, MONDO:0018921.

Allele frequency attached by ClinVar (database versions not stated): gnomAD exomes below 0.00001 and 0.00001; gnomAD 0.00003; TOPMed 0.00004; ExAC 0.00005.
gnomAD v4.1: 7 of 1,550,004 alleles (0.00045%); highest among the groups gnomAD compares: Admixed American, 0.0099%; no homozygotes.

Submissions (3):

Ambry Genetics
Classification: Uncertain significance for Inborn genetic diseases. Last evaluated: 2025-04-13. Review status: criteria provided, single submitter. Criteria: Ambry Variant Classification Scheme 2023. Collection method: clinical testing. Allele origin: germline.

Labcorp Genetics (formerly Invitae), Labcorp
Classification: Uncertain significance for Joubert syndrome; Meckel-Gruber syndrome. Last evaluated: 2024-10-22. Review status: criteria provided, single submitter. Criteria: Invitae Variant Classification Sherloc (09022015). Collection method: clinical testing. Allele origin: germline.
Comment: This sequence change replaces leucine, which is neutral and non-polar, with valine, which is neutral and non-polar, at codon 1211 of the CC2D2A protein (p.Leu1211Val). This variant is present in population databases (rs753905430, gnomAD 0.03%). This variant has not been reported in the literature in individuals affected with CC2D2A-related conditions. ClinVar contains an entry for this variant (Variation ID: 1475939). Invitae Evidence Modeling of protein sequence and biophysical properties (such as structural, functional, and spatial information, amino acid conservation, physicochemical variation, residue mobility, and thermodynamic stability) indicates that this missense variant is expected to disrupt CC2D2A protein function with a positive predictive value of 80%. In summary, the available evidence is currently insufficient to determine the role of this variant in disease. Therefore, it has been classified as a Variant of Uncertain Significance.

Fulgent Genetics
Classification: Uncertain significance for Meckel syndrome, type 6; Joubert syndrome 9; COACH syndrome 2; Retinitis pigmentosa 93. Last evaluated: 2024-01-20. Review status: criteria provided, single submitter. Criteria: ACMG Guidelines, 2015. Collection method: clinical testing. Allele origin: germline.